The following is an entry in ClinVar:

NM_005702.4(ERAL1):c.356T>A (p.Leu119Gln)

Gene: ERAL1 (Era like 12S mitochondrial rRNA chaperone 1; plus strand). Cytogenetic location: 17q11.2.
Variant type: single nucleotide variant.
Coding change: c.356T>A on transcript NM_005702.4 (MANE Select); coding-DNA position 356, T replaced by A.
Protein change: p.Leu119Gln; replaces leucine 119 with glutamine.
Molecular consequence: missense variant. On other transcripts: non-coding transcript variant (1).
Genome position (GRCh38, 1-based): chr17:28,856,336, T>A. VCF-style: chr17-28856336-T-A. GRCh37 (hg19) VCF-style: chr17-27183354-T-A.
Other names: c.356T>A, p.Leu119Gln (NM_001317985.2, NM_001317986.2); short protein forms L119Q.
Identifiers: ClinVar variation 2570981 (VCV002570981.27), dbSNP rs2545157193, ClinGen allele CA398411315.

ClinVar aggregate classification (germline): Uncertain significance (1 of 4 stars; one submission).

Submission:

CeGaT Center for Human Genetics Tuebingen
Classification: Uncertain significance. Last evaluated: 2023-05-01. Review status: criteria provided, single submitter. Criteria: CeGaT Center For Human Genetics Tuebingen Variant Classification Criteria Version 2. Collection method: clinical testing. Allele origin: germline. Affected: yes. Observed: 1 variant allele.
Comment: ERAL1: PM2